The following is an entry in ClinVar:

NM_002645.4(PIK3C2A):c.1239A>G (p.Ala413=)

Gene: PIK3C2A (phosphatidylinositol-4-phosphate 3-kinase catalytic subunit type 2 alpha; minus strand). Cytogenetic location: 11p15.1.
Variant type: single nucleotide variant.
Coding change: c.1239A>G on transcript NM_002645.4 (MANE Select); coding-DNA position 1239, A replaced by G.
Protein change: p.Ala413=; no amino-acid change (alanine 413 retained).
Molecular consequence: synonymous variant.
Genome position (GRCh38, 1-based): chr11:17,150,586, T>C on the plus strand (A>G on the coding strand, the complement: PIK3C2A is on the minus strand). VCF-style: chr11-17150586-T-C. GRCh37 (hg19) VCF-style: chr11-17172133-T-C.
Other names: c.1239A>G, p.Ala413= (NM_001321378.2, NM_001386870.1); c.99A>G, p.Ala33= (NM_001321380.2); c.1239A>G (NM_001321378.1).
Identifiers: ClinVar variation 1327030 (VCV001327030.14), dbSNP rs2302511, ClinGen allele CA5901410.
Genomic context (GRCh38, chr11:17,150,586, plus strand): 5'-AAATCCTTCAATGTCAATGGAGACCTTCACACTAGCATTTTCTCCGCATATGTTTCTTTG[T>C]GCTGTGACTGGACTTAACAAATAGCCTGGGTTTGTGCGGTGATTGGTATATGGAAATTTG-3'
Protein context (NP_002636.2, residues 403-423): NPGYLLSPVT[Ala413=]QRNICGENAS

ClinVar aggregate classification (germline): Benign. Review status: criteria provided, multiple submitters, no conflicts (2 of 4 stars). 5 submissions from 5 submitters: Benign (4). 1 of the submissions does not count toward it. Last evaluated 2026-02-04.

Conditions:
Oculocerebrodental syndrome (OCSKD). Also called: OCULOSKELETODENTAL SYNDROME; CATARACTS, EARLY-ONSET, WITH SKELETAL AND DENTAL ANOMALIES. Identifiers: Orphanet 557003, MedGen C5193101, MONDO:0034145, OMIM 618440.
PIK3C2A-related disorder. Also called: PIK3C2A-related condition.

Allele frequency attached by ClinVar (database versions not stated): gnomAD exomes 0.93234; ExAC 0.93333; 1000 Genomes Project 0.84864; 1000 Genomes Project 30x 0.85868; TOPMed 0.93634; gnomAD 0.94225 and 0.94735; ESP Exome Variant Server 0.95934.
gnomAD v4.1: 1,563,339 of 1,611,650 alleles (97%); highest among the groups gnomAD compares: Non-Finnish European, 100%; 762,661 homozygotes.

Submissions (5):

Labcorp Genetics (formerly Invitae), Labcorp
Classification: Benign. Last evaluated: 2026-02-04. Review status: criteria provided, single submitter. Criteria: Invitae Variant Classification Sherloc (09022015). Collection method: clinical testing. Allele origin: germline.

Blueprint Genetics
Classification: Benign. Last evaluated: 2024-11-27. Review status: criteria provided, single submitter. Criteria: ACMG Guidelines, 2015. Collection method: clinical testing. Allele origin: germline.

Genome-Nilou Lab
Classification: Benign for Oculocerebrodental syndrome. Last evaluated: 2021-09-05. Review status: criteria provided, single submitter. Criteria: ACMG Guidelines, 2015. Collection method: clinical testing. Allele origin: germline. Affected: no.

Breakthrough Genomics
Classification: Benign. Review status: criteria provided, single submitter. Criteria: ACMG Guidelines, 2015. Collection method: not provided. Allele origin: germline. Inheritance: Autosomal recessive inheritance. Affected: yes.

PreventionGenetics, part of Exact Sciences
Classification: Benign for PIK3C2A-related condition. Last evaluated: 2019-10-29. Review status: no assertion criteria provided. Collection method: clinical testing. Allele origin: germline. Not counted in ClinVar's aggregate classification.
Comment: This variant is classified as benign based on ACMG/AMP sequence variant interpretation guidelines (Richards et al. 2015 PMID: 25741868, with internal and published modifications).